The following is an entry in ClinVar:

ClinVar aggregate classification (germline): Pathogenic. Review status: criteria provided, multiple submitters, no conflicts (2 of 4 stars). 9 submissions from 9 submitters: Pathogenic (7). 2 of the submissions do not count toward it. Last evaluated 2025-12-17.

Conditions:
TGM1-related disorder. Also called: TGM1-related condition.
Lamellar ichthyosis. Identifiers: Orphanet 313, MedGen C5848247, MONDO:0017778.
Autosomal recessive congenital ichthyosis 1 (LI1). Also called: ICHTHYOSIS CONGENITA; ICHTHYOSIS CONGENITA II; LAMELLAR EXFOLIATION OF NEWBORN; ICHTHYOSIS, CONGENITAL, AUTOSOMAL RECESSIVE 1, WITH BATHING SUIT DISTRIBUTION; ICHTHYOSIS, CONGENITAL, AUTOSOMAL RECESSIVE 1, WITH OR WITHOUT BATHING SUIT DISTRIBUTION; COLLODION FETUS. Identifiers: MedGen C4551630, MONDO:0009441, OMIM 242300.

Allele frequency attached by ClinVar (database versions not stated): 1000 Genomes Project 30x 0.00016; 1000 Genomes Project 0.00020; TOPMed 0.00001; gnomAD exomes 0.00004 and 0.00010; gnomAD 0.00011; ExAC 0.00012.
gnomAD v4.1: 82 of 1,614,132 alleles (0.0051%); highest among the groups gnomAD compares: Non-Finnish European, 0.003%; no homozygotes.

Submissions (9):

Natera, Inc.
Classification: Pathogenic for Autosomal recessive congenital ichthyosis type 1. Last evaluated: 2025-12-17. Review status: criteria provided, single submitter. Criteria: Natera Variant Classification Schema (03/2026). Collection method: clinical testing. Allele origin: germline.
Comment: The c.1135G>C variant in TGM1 is a missense variant predicted to cause substitution of valine to leucine at amino acid 379. This variant is rare in the general population with a frequency below the threshold expected for the associated phenotype(s). This variant has been observed in one or more individuals affected with the associated recessive disease, as either homozygous or compound heterozygous with a second variant (PMID: 9326318). Given the available evidence, this variant is classified as Pathogenic.

Blueprint Genetics
Classification: Pathogenic for TGM1-related disorders. Last evaluated: 2024-10-18. Review status: criteria provided, single submitter. Criteria: ACMG Guidelines, 2015. Collection method: clinical testing. Allele origin: germline. Affected: yes. Observed: 5 variant alleles.

Fulgent Genetics
Classification: Pathogenic for Autosomal recessive congenital ichthyosis 1. Last evaluated: 2024-04-27. Review status: criteria provided, single submitter. Criteria: ACMG Guidelines, 2015. Collection method: clinical testing. Allele origin: germline.

GeneDx
Classification: Pathogenic. Last evaluated: 2024-03-27. Review status: criteria provided, single submitter. Criteria: GeneDx Variant Classification Process June 2021. Collection method: clinical testing. Allele origin: germline. Affected: yes.
Comment: Published functional studies suggest that the V379L variant is associated with abnormal accumulation of transglutaminase-1 in the endoplasmic reticulum (PMID: 20663883); In silico analysis supports that this missense variant has a deleterious effect on protein structure/function; This variant is associated with the following publications: (PMID: 9326318, 29444371, 31046801, 30372788, 27025581, 31168818, 31980526, 31589614, 34273205, 20663883)

Labcorp Genetics (formerly Invitae), Labcorp
Classification: Pathogenic. Last evaluated: 2023-12-30. Review status: criteria provided, single submitter. Criteria: Invitae Variant Classification Sherloc (09022015). Collection method: clinical testing. Allele origin: germline.
Comment: This sequence change replaces valine, which is neutral and non-polar, with leucine, which is neutral and non-polar, at codon 379 of the TGM1 protein (p.Val379Leu). This variant is present in population databases (rs121918720, gnomAD 0.06%). This missense change has been observed in individuals with ichthyosis (PMID: 9261103, 9326318, 10694685, 22622417, 23096117). It has also been observed to segregate with disease in related individuals. This variant is also known as p.Val378Leu. ClinVar contains an entry for this variant (Variation ID: 12486). Advanced modeling of protein sequence and biophysical properties (such as structural, functional, and spatial information, amino acid conservation, physicochemical variation, residue mobility, and thermodynamic stability) performed at Invitae indicates that this missense variant is expected to disrupt TGM1 protein function with a positive predictive value of 95%. Experimental studies have shown that this missense change affects TGM1 function (PMID: 20663883). For these reasons, this variant has been classified as Pathogenic.

Women's Health and Genetics/Laboratory Corporation of America, LabCorp
Classification: Pathogenic for Lamellar ichthyosis. Last evaluated: 2023-06-07. Review status: criteria provided, single submitter. Criteria: LabCorp Variant Classification Summary - May 2015. Collection method: clinical testing. Allele origin: germline.
Comment: Variant summary: TGM1 c.1135G>C (p.Val379Leu) results in a conservative amino acid change located in the transglutaminase-like domain (IPR002931) of the encoded protein sequence. Three of five in-silico tools predict a damaging effect of the variant on protein function. The variant allele was found at a frequency of 0.0001 in 251176 control chromosomes (gnomAD). This frequency is not significantly higher than estimated for a pathogenic variant in TGM1 causing Lamellar Ichthyosis (0.0001 vs 0.0021), allowing no conclusion about variant significance. c.1135G>C has been reported in the literature as a compound heterozygous genotype in multiple individuals affected with Lamellar Ichthyosis, including multiple affected individuals from the same family and in cases where it was confirmed to be in trans with a pathogenic variant (e.g. Laiho_1997, Simpson_2020). These data indicate that the variant is very likely to be associated with disease. The following publications have been ascertained in the context of this evaluation (PMID: 9326318, 31168818). Four clinical diagnostic laboratories have submitted clinical-significance assessments for this variant to ClinVar after 2014 and all classified the variant as pathogenic. Based on the evidence outlined above, the variant was classified as pathogenic.

Genome-Nilou Lab
Classification: Pathogenic for Autosomal recessive congenital ichthyosis 1. Review status: criteria provided, single submitter. Criteria: ACMG Guidelines, 2015. Collection method: clinical testing. Allele origin: germline.

Counsyl
Classification: Pathogenic for Autosomal recessive congenital ichthyosis 1. Last evaluated: 2017-02-07. Review status: no assertion criteria provided. Collection method: clinical testing. Allele origin: unknown. Not counted in ClinVar's aggregate classification.

OMIM
Classification: Pathogenic for ICHTHYOSIS, CONGENITAL, AUTOSOMAL RECESSIVE 1. Last evaluated: 1997-09-01. Review status: no assertion criteria provided. Collection method: literature only. Allele origin: germline. Not counted in ClinVar's aggregate classification.

Literature cited by the submitters: PubMed 9326318 (cited by 5 submitters); PubMed 9261103 (cited by Labcorp Genetics (formerly Invitae), Labcorp); PubMed 10694685 (cited by Labcorp Genetics (formerly Invitae), Labcorp); PubMed 22622417 (cited by Labcorp Genetics (formerly Invitae), Labcorp); PubMed 23096117 (cited by Labcorp Genetics (formerly Invitae), Labcorp); PubMed 20663883 (cited by Labcorp Genetics (formerly Invitae), Labcorp and Counsyl); PubMed 31168818 (cited by Women's Health and Genetics/Laboratory Corporation of America, LabCorp); PubMed 27025581 (cited by Counsyl).

NM_000359.3(TGM1):c.1135G>C (p.Val379Leu)

Gene: TGM1 (transglutaminase 1; minus strand). Cytogenetic location: 14q12.
Variant type: single nucleotide variant.
Coding change: c.1135G>C on transcript NM_000359.3 (MANE Select); coding-DNA position 1135, G replaced by C.
Protein change: p.Val379Leu; replaces valine 379 with leucine.
Molecular consequence: missense variant.
Genome position (GRCh38, 1-based): chr14:24,259,099, C>G on the plus strand (G>C on the coding strand, the complement: TGM1 is on the minus strand). VCF-style: chr14-24259099-C-G. GRCh37 (hg19) VCF-style: chr14-24728305-C-G.
Other names: V378L; short protein forms V379L.
Identifiers: ClinVar variation 12486 (VCV000012486.21), dbSNP rs121918720, ClinGen allele CA256464.